The following is an entry in ClinVar:

ClinVar aggregate classification (germline): Pathogenic (1 of 4 stars; one submission).

Conditions:
Hereditary hemorrhagic telangiectasia (HHT). Also called: ORW DISEASE; Osler Weber Rendu syndrome; OSLER-RENDU-WEBER DISEASE; Osler hemorrhagic telangiectasia syndrome. Identifiers: Orphanet 774, MedGen C0039445, MONDO:0019180. Disease mechanism: loss of function.

Submission:

Labcorp Genetics (formerly Invitae), Labcorp
Classification: Pathogenic for Hereditary hemorrhagic telangiectasia. Last evaluated: 2026-01-14. Review status: criteria provided, single submitter. Criteria: Invitae Variant Classification Sherloc (09022015). Collection method: clinical testing. Allele origin: germline.
Comment: This sequence change creates a premature translational stop signal (p.Phe314Leufs*45) in the ENG gene. It is expected to result in an absent or disrupted protein product. Loss-of-function variants in ENG are known to be pathogenic (PMID: 15879500). This variant is not present in population databases (gnomAD no frequency). This variant has not been reported in the literature in individuals affected with ENG-related conditions. For these reasons, this variant has been classified as Pathogenic.

Literature cited by the submitters: PubMed 15879500.

NM_001114753.3(ENG):c.942del (p.Phe314fs)

Gene: ENG (endoglin; minus strand). Cytogenetic location: 9q34.11.
Variant type: Deletion.
Coding change: c.942del on transcript NM_001114753.3 (MANE Select); coding-DNA position 942, one base deleted (C; older notation c.942delC).
Protein change: p.Phe314fs; shifts the reading frame from phenylalanine 314.
Molecular consequence: frameshift variant.
Genome position (GRCh38, 1-based): chr9:127,824,849, G deleted on the plus strand (C on the coding strand, the reverse complement: ENG is on the minus strand). VCF-style (leftmost placement, unchanged base first): chr9-127824848-CG-C. GRCh37 (hg19) VCF-style: chr9-130587127-CG-C.
Other names: c.942del, p.Phe314fs (NM_000118.4, NM_001406715.1); c.396del, p.Phe132fs (NM_001278138.2); short protein forms F132fs, F314fs.
Identifiers: ClinVar variation 4735417 (VCV004735417.1).